The following is an entry in ClinVar:

ClinVar aggregate classification (germline): Uncertain significance (1 of 4 stars; one submission).

Submission:

Labcorp Genetics (formerly Invitae), Labcorp
Classification: Uncertain significance. Last evaluated: 2021-07-27. Review status: criteria provided, single submitter. Criteria: Invitae Variant Classification Sherloc (09022015). Collection method: clinical testing. Allele origin: germline.
Comment: In summary, the available evidence is currently insufficient to determine the role of this variant in disease. Therefore, it has been classified as a Variant of Uncertain Significance. Advanced modeling of protein sequence and biophysical properties (such as structural, functional, and spatial information, amino acid conservation, physicochemical variation, residue mobility, and thermodynamic stability) performed at Invitae indicates that this missense variant is expected to disrupt TUBB2A protein function. This variant has not been reported in the literature in individuals affected with TUBB2A-related conditions. The frequency data for this variant in the population databases is considered unreliable, as metrics indicate insufficient coverage at this position in the ExAC database. This sequence change replaces phenylalanine with leucine at codon 270 of the TUBB2A protein (p.Phe270Leu). The phenylalanine residue is highly conserved and there is a small physicochemical difference between phenylalanine and leucine.

NM_001069.3(TUBB2A):c.808T>C (p.Phe270Leu)

Gene: TUBB2A (tubulin beta 2A class IIa; minus strand). Cytogenetic location: 6p25.2.
Variant type: single nucleotide variant.
Coding change: c.808T>C on transcript NM_001069.3 (MANE Select); coding-DNA position 808, T replaced by C.
Protein change: p.Phe270Leu; replaces phenylalanine 270 with leucine.
Molecular consequence: missense variant.
Genome position (GRCh38, 1-based): chr6:3,154,393, A>G on the plus strand (T>C on the coding strand, the complement: TUBB2A is on the minus strand). VCF-style: chr6-3154393-A-G. GRCh37 (hg19) VCF-style: chr6-3154627-A-G.
Other names: c.553T>C, p.Phe185Leu (NM_001310315.2); short protein forms F185L, F270L.
Identifiers: ClinVar variation 1370382 (VCV001370382.8), dbSNP rs2113785292, ClinGen allele CA362591916.